The following is an entry in ClinVar:

ClinVar aggregate classification (germline): Conflicting classifications of pathogenicity. Review status: criteria provided, conflicting classifications (1 of 4 stars). 5 submissions from 5 submitters: Pathogenic (3); Uncertain significance (2). Last evaluated 2025-10-02.

Conditions:
Malignant hyperthermia, susceptibility to, 1 (MHS1). Also called: RYR1-Related Malignant Hyperthermia Susceptibility; Anesthesia related hyperthermia; Malignant hyperpyrexia; Fulminating hyperpyrexia; Pharmacogenic myopathy; Malignant hyperthermia suceptibility 1. Identifiers: Orphanet 423, MedGen C2930980, MONDO:0007783, OMIM 145600.
RYR1-related disorder. Also called: RYR1-related disorders; RYR1-related condition. Identifiers: MedGen CN239331.

Allele frequency attached by ClinVar (database versions not stated): gnomAD exomes below 0.00001 and 0.00001; gnomAD 0.00001; ExAC 0.00002; TOPMed 0.00002.
gnomAD v4.1: 3 of 1,611,332 alleles (0.00019%); highest among the groups gnomAD compares: Non-Finnish European, 0.000085%; no homozygotes.

Submissions (5):

Color Diagnostics, LLC DBA Color Health
Classification: Uncertain significance for Malignant hyperthermia, susceptibility to, 1. Last evaluated: 2025-10-02. Review status: criteria provided, single submitter. Criteria: ACMG Guidelines, 2015. Collection method: clinical testing. Allele origin: germline.
Comment: This variant causes a G to T nucleotide substitution at the +1 position of intron 7 of the RYR1 gene. Splice site prediction tools predict that this variant may have a significant impact on RNA splicing. Although this prediction has not been confirmed in published RNA studies. This variant has not been reported in individuals affected with autosomal dominant malignant hyperthermia susceptibility in the literature, although it has been reported in other phenotype(s) (PMID: 32236737). This variant has been identified in 2/248270 chromosomes in the general population by the Genome Aggregation Database (gnomAD). Loss of RYR1 function due to truncation variants is not an established disease mechanism for autosomal dominant malignant hyperthermia susceptibility, although it is associated with other phenotype(s). Due to insufficient evidence, this variant is classified as a Variant of Uncertain Significance for autosomal dominant malignant hyperthermia susceptibility.

Labcorp Genetics (formerly Invitae), Labcorp
Classification: Pathogenic for RYR1-related disorder. Last evaluated: 2024-07-23. Review status: criteria provided, single submitter. Criteria: Invitae Variant Classification Sherloc (09022015). Collection method: clinical testing. Allele origin: germline.
Comment: This sequence change affects a donor splice site in intron 7 of the RYR1 gene. It is expected to disrupt RNA splicing. Variants that disrupt the donor or acceptor splice site typically lead to a loss of protein function (PMID: 16199547), and loss-of-function variants in RYR1 are known to be pathogenic (PMID: 23919265, 25960145, 28818389, 30611313). This variant is present in population databases (rs374937694, gnomAD 0.02%). Disruption of this splice site has been observed in individual(s) with autosomal recessive myopathy (PMID: 30611313). In at least one individual the data is consistent with being in trans (on the opposite chromosome) from a pathogenic variant. ClinVar contains an entry for this variant (Variation ID: 872068). Algorithms developed to predict the effect of sequence changes on RNA splicing suggest that this variant may disrupt the consensus splice site. For these reasons, this variant has been classified as Pathogenic.

Revvity Omics, Revvity
Classification: Pathogenic. Last evaluated: 2024-04-02. Review status: criteria provided, single submitter. Criteria: ACMG Guidelines, 2015. Collection method: clinical testing. Allele origin: germline.

All of Us Research Program, National Institutes of Health
Classification: Uncertain significance for Malignant hyperthermia, susceptibility to, 1. Last evaluated: 2023-11-02. Review status: criteria provided, single submitter. Criteria: ACMG Guidelines, 2015. Collection method: clinical testing. Allele origin: germline. Inheritance: Autosomal dominant inheritance. Observed: 2 variant alleles, 2 heterozygotes.
Comment: This variant causes a G to T nucleotide substitution at the +1 position of intron 7 of the RYR1 gene. Splice site prediction tools predict that this variant may have a significant impact on RNA splicing. Although this prediction has not been confirmed in published RNA studies. This variant has not been reported in individuals affected with autosomal dominant malignant hyperthermia susceptibility in the literature, although it has been reported in other phenotype(s) (PMID: 32236737). This variant has been identified in 2/248270 chromosomes in the general population by the Genome Aggregation Database (gnomAD). Loss of RYR1 function due to truncation variants is not an established disease mechanism for autosomal dominant malignant hyperthermia susceptibility, although it is associated with other phenotype(s). Due to insufficient evidence, this variant is classified as a Variant of Uncertain Significance for autosomal dominant malignant hyperthermia susceptibility.

This study involves interpretation of variants in research participants for the purpose of population health screening. Participant phenotype was not available at the time of variant classification. Additional details can be found in publication PMID: 35346344, PMCID: PMC8962531

CeGaT Center for Human Genetics Tuebingen
Classification: Pathogenic. Last evaluated: 2020-01-01. Review status: criteria provided, single submitter. Criteria: CeGaT Center For Human Genetics Tuebingen Variant Classification Criteria Version 2. Collection method: clinical testing. Allele origin: germline. Affected: yes. Observed: 1 variant allele.

Literature cited by the submitters: PubMed 32236737 (cited by Color Diagnostics, LLC DBA Color Health and All of Us Research Program, National Institutes of Health); PubMed 16199547 (cited by Labcorp Genetics (formerly Invitae), Labcorp); PubMed 23919265 (cited by Labcorp Genetics (formerly Invitae), Labcorp); PubMed 25960145 (cited by Labcorp Genetics (formerly Invitae), Labcorp); PubMed 28818389 (cited by Labcorp Genetics (formerly Invitae), Labcorp); PubMed 30611313 (cited by Labcorp Genetics (formerly Invitae), Labcorp).

NM_000540.3(RYR1):c.631+1G>T

Gene: RYR1 (ryanodine receptor 1; plus strand). Cytogenetic location: 19q13.2.
Variant type: single nucleotide variant.
Coding change: c.631+1G>T on transcript NM_000540.3 (MANE Select); the canonical splice donor site of the intron after coding-DNA position 631, G replaced by T.
Molecular consequence: splice donor variant.
Genome position (GRCh38, 1-based): chr19:38,444,678, G>T. VCF-style: chr19-38444678-G-T. GRCh37 (hg19) VCF-style: chr19-38935318-G-T.
Other names: c.631+1G>T (NM_001042723.2).
Identifiers: ClinVar variation 872068 (VCV000872068.47), dbSNP rs374937694, ClinGen allele CA068035.